The following is an entry in ClinVar:

ClinVar aggregate classification (germline): Uncertain significance (1 of 4 stars; one submission).

Conditions:
Familial melanoma. Also called: Hereditary melanoma; Hereditary cutaneous melanoma. Identifiers: Orphanet 618, MedGen C1512419, MONDO:0018961.

Submission:

Labcorp Genetics (formerly Invitae), Labcorp
Classification: Uncertain significance for Familial melanoma. Last evaluated: 2022-09-06. Review status: criteria provided, single submitter. Criteria: Invitae Variant Classification Sherloc (09022015). Collection method: clinical testing. Allele origin: germline.
Comment: In summary, the available evidence is currently insufficient to determine the role of this variant in disease. Therefore, it has been classified as a Variant of Uncertain Significance. This variant has not been reported in the literature in individuals affected with CDK4-related conditions. This variant results in a copy number gain of the genomic region encompassing exon(s) 2-4 of the CDK4 gene. This region includes the initiator codon of the gene. This copy number gain extends beyond the assayed region for this gene and therefore may encompass additional genes. As the precise location of this event is unknown, it may be in tandem or it may be located elsewhere in the genome.

NC_000012.11:g.(?_58144696)_(58145500_?)dup

Gene: CDK4 (cyclin dependent kinase 4; minus strand). Cytogenetic location: 12q14.1.
Variant type: Duplication.
Identifiers: ClinVar variation 2422307 (VCV002422307.4).